The following is an entry in ClinVar:

NM_172070.4(UBR3):c.4923C>G (p.Ser1641=)

Gene: UBR3 (ubiquitin protein ligase E3 component n-recognin 3; plus strand). Cytogenetic location: 2q31.1.
Variant type: single nucleotide variant.
Coding change: c.4923C>G on transcript NM_172070.4 (MANE Select); coding-DNA position 4923, C replaced by G.
Protein change: p.Ser1641=; no amino-acid change (serine 1641 retained).
Molecular consequence: synonymous variant.
Genome position (GRCh38, 1-based): chr2:170,061,347, C>G. VCF-style: chr2-170061347-C-G. GRCh37 (hg19) VCF-style: chr2-170917857-C-G.
Identifiers: ClinVar variation 3056001 (VCV003056001.2), dbSNP rs781141556, ClinGen allele CA1960450.

ClinVar aggregate classification (germline): Likely benign (0 of 4 stars; one submission).

Conditions:
UBR3-related disorder. Also called: UBR3-related condition.

Allele frequency attached by ClinVar (database versions not stated): TOPMed below 0.00001; ExAC 0.00001; gnomAD exomes 0.00001; gnomAD 0.00002.
gnomAD v4.1: 7 of 1,613,918 alleles (0.00043%); highest among the groups gnomAD compares: East Asian, 0.013%; no homozygotes.

Submission:

PreventionGenetics, part of Exact Sciences
Classification: Likely benign for UBR3-related condition. Last evaluated: 2019-08-08. Review status: no assertion criteria provided. Collection method: clinical testing. Allele origin: germline.
Comment: This variant is classified as likely benign based on ACMG/AMP sequence variant interpretation guidelines (Richards et al. 2015 PMID: 25741868, with internal and published modifications).